The following is an entry in ClinVar:

NM_032608.7(MYO18B):c.2461C>T (p.Arg821Trp)

Gene: MYO18B (myosin XVIIIB; plus strand). Cytogenetic location: 22q12.1.
Variant type: single nucleotide variant.
Coding change: c.2461C>T on transcript NM_032608.7 (MANE Select); coding-DNA position 2461, C replaced by T.
Protein change: p.Arg821Trp; replaces arginine 821 with tryptophan.
Molecular consequence: missense variant.
Genome position (GRCh38, 1-based): chr22:25,798,037, C>T. VCF-style: chr22-25798037-C-T. GRCh37 (hg19) VCF-style: chr22-26194004-C-T.
Other names: c.2461C>T, p.Arg821Trp (NM_001318245.2); short protein forms R821W.
Identifiers: ClinVar variation 1163667 (VCV001163667.7), dbSNP rs371252378, ClinGen allele CA10160173.
Genomic context (GRCh38, chr22:25,798,037, plus strand): 5'-GCTGCCTTTGCCCAGCTCCAGGGTGCCATGGAGATGCTCGGCATCTCAGAGAGCGAGCAG[C>T]GGGCTGTTTGGCGGGTCCTGGCAGCCATCTACCACCTGGGTGCGGCGGGGGCCTGCAAAG-3'
Protein context (NP_115997.5, residues 811-831): EMLGISESEQ[Arg821Trp]AVWRVLAAIY

ClinVar aggregate classification (germline): Uncertain significance. Review status: criteria provided, multiple submitters, no conflicts (2 of 4 stars). 2 submissions from 2 submitters: Uncertain significance (2). Last evaluated 2022-11-01.

Allele frequency attached by ClinVar (database versions not stated): ExAC 0.00002; gnomAD exomes 0.00002; TOPMed 0.00005; gnomAD 0.00007 and 0.00008; ESP Exome Variant Server 0.00008.
gnomAD v4.1: 66 of 1,612,854 alleles (0.0041%); highest among the groups gnomAD compares: East Asian, 0.0067%; no homozygotes.

Submissions (2):

Labcorp Genetics (formerly Invitae), Labcorp
Classification: Uncertain significance. Last evaluated: 2022-11-01. Review status: criteria provided, single submitter. Criteria: Invitae Variant Classification Sherloc (09022015). Collection method: clinical testing. Allele origin: germline.
Comment: This sequence change replaces arginine, which is basic and polar, with tryptophan, which is neutral and slightly polar, at codon 821 of the MYO18B protein (p.Arg821Trp). This variant is present in population databases (rs371252378, gnomAD 0.007%). This variant has not been reported in the literature in individuals affected with MYO18B-related conditions. ClinVar contains an entry for this variant (Variation ID: 1163667). Algorithms developed to predict the effect of missense changes on protein structure and function are either unavailable or do not agree on the potential impact of this missense change (SIFT: "Not Available"; PolyPhen-2: "Possibly Damaging"; Align-GVGD: "Not Available"). In summary, the available evidence is currently insufficient to determine the role of this variant in disease. Therefore, it has been classified as a Variant of Uncertain Significance.

Mayo Clinic Laboratories, Mayo Clinic
Classification: Uncertain significance. Last evaluated: 2019-05-26. Review status: criteria provided, single submitter. Criteria: ACMG Guidelines, 2015. Collection method: clinical testing. Allele origin: germline. Observed: 1 variant allele.